The following is an entry in ClinVar:

ClinVar aggregate classification (germline): Uncertain significance (1 of 4 stars; one submission).

Allele frequency attached by ClinVar (database versions not stated): gnomAD exomes 0.00001.
gnomAD v4.1: 11 of 1,582,644 alleles (0.0007%); highest among the groups gnomAD compares: Non-Finnish European, 0.00095%; no homozygotes.

Submission:

Labcorp Genetics (formerly Invitae), Labcorp
Classification: Uncertain significance. Last evaluated: 2022-08-04. Review status: criteria provided, single submitter. Criteria: Invitae Variant Classification Sherloc (09022015). Collection method: clinical testing. Allele origin: germline.
Comment: This sequence change affects codon 126 of the DOCK6 mRNA. It is a 'silent' change, meaning that it does not change the encoded amino acid sequence of the DOCK6 protein. It affects a nucleotide within the consensus splice site. This variant is not present in population databases (gnomAD no frequency). This variant has not been reported in the literature in individuals affected with DOCK6-related conditions. Algorithms developed to predict the effect of sequence changes on RNA splicing suggest that this variant is not likely to affect RNA splicing. In summary, the available evidence is currently insufficient to determine the role of this variant in disease. Therefore, it has been classified as a Variant of Uncertain Significance.

NM_020812.4(DOCK6):c.378G>A (p.Arg126=)

Gene: DOCK6 (dedicator of cytokinesis 6; minus strand). Cytogenetic location: 19p13.2.
Variant type: single nucleotide variant.
Coding change: c.378G>A on transcript NM_020812.4 (MANE Select); coding-DNA position 378, G replaced by A.
Protein change: p.Arg126=; no amino-acid change (arginine 126 retained).
Molecular consequence: synonymous variant.
Genome position (GRCh38, 1-based): chr19:11,252,248, C>T on the plus strand (G>A on the coding strand, the complement: DOCK6 is on the minus strand). VCF-style: chr19-11252248-C-T. GRCh37 (hg19) VCF-style: chr19-11362924-C-T.
Other names: c.378G>A, p.Arg126= (NM_001367830.1).
Identifiers: ClinVar variation 1950434 (VCV001950434.2), dbSNP rs1294055013, ClinGen allele CA505499831.